The following is an entry in ClinVar:

NM_001972.4(ELANE):c.731C>T (p.Ser244Phe)

Gene: ELANE (elastase, neutrophil expressed; plus strand). Cytogenetic location: 19p13.3.
Variant type: single nucleotide variant.
Coding change: c.731C>T on transcript NM_001972.4 (MANE Select); coding-DNA position 731, C replaced by T.
Protein change: p.Ser244Phe; replaces serine 244 with phenylalanine.
Molecular consequence: missense variant.
Genome position (GRCh38, 1-based): chr19:856,091, C>T. VCF-style: chr19-856091-C-T. GRCh37 (hg19) VCF-style: chr19-856091-C-T.
Other names: short protein forms S244F.
Identifiers: ClinVar variation 4017412 (VCV004017412.1).

ClinVar aggregate classification (germline): Uncertain significance (1 of 4 stars; one submission).

Conditions:
Inborn genetic diseases. Identifiers: MedGen C0950123, MeSH D030342.

Submission:

Ambry Genetics
Classification: Uncertain significance for Inborn genetic diseases. Last evaluated: 2025-06-06. Review status: criteria provided, single submitter. Criteria: Ambry Variant Classification Scheme 2023. Collection method: clinical testing. Allele origin: germline.
Comment: The p.S244F variant (also known as c.731C>T), located in coding exon 5 of the ELANE gene, results from a C to T substitution at nucleotide position 731. The serine at codon 244 is replaced by phenylalanine, an amino acid with highly dissimilar properties. This amino acid position is conserved. In addition, the in silico prediction for this alteration is inconclusive. Based on the available evidence, the clinical significance of this variant remains unclear.